The following is an entry in ClinVar:

ClinVar aggregate classification (germline): Uncertain significance (1 of 4 stars; one submission).

Conditions:
Hyperphosphatasia with impaired intellectual development syndrome 2. Also called: Hyperphosphatasia with intellectual disability syndrome 2; GLYCOSYLPHOSPHATIDYLINOSITOL BIOSYNTHESIS DEFECT 6. Identifiers: Orphanet 247262, MedGen C3553637, MONDO:0013882, OMIM 614749.

Submission:

Labcorp Genetics (formerly Invitae), Labcorp
Classification: Uncertain significance for Hyperphosphatasia with impaired intellectual development syndrome 2. Last evaluated: 2022-04-28. Review status: criteria provided, single submitter. Criteria: Invitae Variant Classification Sherloc (09022015). Collection method: clinical testing. Allele origin: germline.
Comment: This variant is not present in population databases (gnomAD no frequency). This sequence change replaces aspartic acid, which is acidic and polar, with asparagine, which is neutral and polar, at codon 794 of the PIGO protein (p.Asp794Asn). This variant has not been reported in the literature in individuals affected with PIGO-related conditions. Algorithms developed to predict the effect of missense changes on protein structure and function (SIFT, PolyPhen-2, Align-GVGD) all suggest that this variant is likely to be tolerated. ClinVar contains an entry for this variant (Variation ID: 1039479). In summary, the available evidence is currently insufficient to determine the role of this variant in disease. Therefore, it has been classified as a Variant of Uncertain Significance.

NM_032634.4(PIGO):c.2380G>A (p.Asp794Asn)

Gene: PIGO (phosphatidylinositol glycan anchor biosynthesis class O; minus strand). Cytogenetic location: 9p13.3.
Variant type: single nucleotide variant.
Coding change: c.2380G>A on transcript NM_032634.4 (MANE Select); coding-DNA position 2380, G replaced by A.
Protein change: p.Asp794Asn; replaces aspartic acid 794 with asparagine.
Molecular consequence: missense variant. On other transcripts: intron variant (2).
Genome position (GRCh38, 1-based): chr9:35,091,507, C>T on the plus strand (G>A on the coding strand, the complement: PIGO is on the minus strand). VCF-style: chr9-35091507-C-T. GRCh37 (hg19) VCF-style: chr9-35091504-C-T.
Other names: c.1345-216G>A (NM_152850.4, NM_001201484.2); short protein forms D794N.
Identifiers: ClinVar variation 1039479 (VCV001039479.8), dbSNP rs1394125837, ClinGen allele CA373320007.